The following is an entry in ClinVar:

NM_000257.4(MYH7):c.2481G>C (p.Trp827Cys)

Genes: MYH7 (myosin heavy chain 7; minus strand), LOC126861898 (BRD4-independent group 4 enhancer GRCh37_chr14:23893609-23894808; plus strand). Cytogenetic location: 14q11.2.
Variant type: single nucleotide variant.
Coding change: c.2481G>C on transcript NM_000257.4 (MANE Select); coding-DNA position 2481, G replaced by C.
Protein change: p.Trp827Cys; replaces tryptophan 827 with cysteine.
Molecular consequence: missense variant.
Genome position (GRCh38, 1-based): chr14:23,424,967, C>G on the plus strand (G>C on the coding strand, the complement: MYH7 is on the minus strand). VCF-style: chr14-23424967-C-G. GRCh37 (hg19) VCF-style: chr14-23894176-C-G.
Other names: c.2481G>C (LRG_384t1); short protein forms W827C.
Identifiers: ClinVar variation 188128 (VCV000188128.9), dbSNP rs786204091, ClinGen allele CA012451.

ClinVar aggregate classification (germline): Uncertain significance (1 of 4 stars; one submission).

Conditions:
Hypertrophic cardiomyopathy. Also called: HYPERTROPHIC MYOCARDIOPATHY. Identifiers: Orphanet 217569, MedGen C0007194, MeSH D002312, MONDO:0005045, HP:0001639.

Submission:

Labcorp Genetics (formerly Invitae), Labcorp
Classification: Uncertain significance for Hypertrophic cardiomyopathy. Last evaluated: 2014-10-05. Review status: criteria provided, single submitter. Criteria: Invitae Variant Classification Sherloc (09022015). Collection method: clinical testing. Allele origin: germline.
Comment: In summary, this is a novel missense change with uncertain impact on protein function. In the absence of any functional or segregation evidence, it has been classified as a Variant of Uncertain Significance. A computational algorithm designed to assess the pathogenicity of variants in MYH7 with regard to hypertrophic cardiomyopathy predicted this sequence change to be deleterious. The algorithm has a sensitivity of 94% and a specificity of 89% (PMID: 21310275). However, this prediction has not been confirmed by published functional studies. This sequence change has not been published in the literature and is not present in population databases. While this particular sequence change has not been reported previously, a similar sequence change (c.2481G>T), which also leads to the same tryptophan to cysteine substitution at codon 827 of the MYH7 protein, has been observed in a patient with hypertrophic cardiomyopathy (PMID: 20624503). This sequence change replaces tryptophan with cysteine at codon 827 of the MYH7 protein (p.Trp827Cys). The tryptophan residue is highly conserved and there is a large physicochemical difference between tryptophan and cystiene.

Literature cited by the submitters: PubMed 21310275; PubMed 20624503.